The following is an entry in ClinVar:

NM_017654.4(SAMD9):c.3764C>T (p.Pro1255Leu)

Gene: SAMD9 (sterile alpha motif domain containing 9; minus strand). Cytogenetic location: 7q21.2.
Variant type: single nucleotide variant.
Coding change: c.3764C>T on transcript NM_017654.4 (MANE Select); coding-DNA position 3764, C replaced by T.
Protein change: p.Pro1255Leu; replaces proline 1255 with leucine.
Molecular consequence: missense variant.
Genome position (GRCh38, 1-based): chr7:93,102,334, G>A on the plus strand (C>T on the coding strand, the complement: SAMD9 is on the minus strand). VCF-style: chr7-93102334-G-A. GRCh37 (hg19) VCF-style: chr7-92731647-G-A.
Other names: c.3764C>T, p.Pro1255Leu (NM_001193307.2); short protein forms P1255L.
Identifiers: ClinVar variation 1337152 (VCV001337152.10), dbSNP rs766301292, ClinGen allele CA4342639.

ClinVar aggregate classification (germline): Uncertain significance. Review status: criteria provided, multiple submitters, no conflicts (2 of 4 stars). 4 submissions from 4 submitters: Uncertain significance (4). Last evaluated 2026-02-01.

Conditions:
Inborn genetic diseases. Identifiers: MedGen C0950123, MeSH D030342.

Allele frequency attached by ClinVar (database versions not stated): ExAC 0.00003; gnomAD 0.00003 and 0.00004; gnomAD exomes 0.00004; TOPMed 0.00005.

Submissions (4):

Labcorp Genetics (formerly Invitae), Labcorp
Classification: Uncertain significance. Last evaluated: 2026-02-01. Review status: criteria provided, single submitter. Criteria: Invitae Variant Classification Sherloc (09022015). Collection method: clinical testing. Allele origin: germline.
Comment: This sequence change replaces proline, which is neutral and non-polar, with leucine, which is neutral and non-polar, at codon 1255 of the SAMD9 protein (p.Pro1255Leu). This variant is present in population databases (rs766301292, gnomAD 0.009%). This variant has not been reported in the literature in individuals affected with SAMD9-related conditions. ClinVar contains an entry for this variant (Variation ID: 1337152). Invitae Evidence Modeling of protein sequence and biophysical properties (such as structural, functional, and spatial information, amino acid conservation, physicochemical variation, residue mobility, and thermodynamic stability) indicates that this missense variant is not expected to disrupt SAMD9 protein function with a negative predictive value of 95%. In summary, the available evidence is currently insufficient to determine the role of this variant in disease. Therefore, it has been classified as a Variant of Uncertain Significance.

Ambry Genetics
Classification: Uncertain significance for Inborn genetic diseases. Last evaluated: 2025-04-13. Review status: criteria provided, single submitter. Criteria: Ambry Variant Classification Scheme 2023. Collection method: clinical testing. Allele origin: germline.

GeneDx
Classification: Uncertain significance. Last evaluated: 2022-05-31. Review status: criteria provided, single submitter. Criteria: GeneDx Variant Classification Process June 2021. Collection method: clinical testing. Allele origin: germline. Affected: yes.
Comment: In silico analysis supports that this missense variant does not alter protein structure/function; Has not been previously published as pathogenic or benign to our knowledge

Genetic Services Laboratory, University of Chicago
Classification: Uncertain significance. Last evaluated: 2019-05-03. Review status: criteria provided, single submitter. Criteria: ACMG Guidelines, 2015. Collection method: clinical testing. Allele origin: germline. Affected: no.